The following is an entry in ClinVar:

ClinVar aggregate classification (germline): Uncertain significance. Review status: criteria provided, multiple submitters, no conflicts (2 of 4 stars). 2 submissions from 2 submitters: Uncertain significance (2). Last evaluated 2025-04-29.

Conditions:
Hereditary cancer-predisposing syndrome. Also called: Neoplastic Syndromes, Hereditary; Tumor predisposition; Hereditary Cancer Syndrome; Hereditary neoplastic syndrome. Identifiers: Orphanet 140162, MedGen C0027672, MeSH D009386, MONDO:0015356.
Familial adenomatous polyposis 1 (FAP1). Also called: FAMILIAL ADENOMATOUS POLYPOSIS 1, ATTENUATED; POLYPOSIS, ADENOMATOUS INTESTINAL. Identifiers: MedGen C2713442, MONDO:0021056, OMIM 175100. Disease mechanism: loss of function.

Allele frequency attached by ClinVar (database versions not stated): TOPMed below 0.00001.

Submissions (2):

Ambry Genetics
Classification: Uncertain significance for Hereditary cancer-predisposing syndrome. Last evaluated: 2025-04-29. Review status: criteria provided, single submitter. Criteria: Ambry Variant Classification Scheme 2023. Collection method: clinical testing. Allele origin: germline.
Comment: The p.V2436I variant (also known as c.7306G>A), located in coding exon 15 of the APC gene, results from a G to A substitution at nucleotide position 7306. The valine at codon 2436 is replaced by isoleucine, an amino acid with highly similar properties. This amino acid position is not well conserved in available vertebrate species. In addition, in silico predictors for this gene do not accurately predict pathogenicity. Missense alterations in APC are not a common cause of disease (Spier I et al. Genet Med. 2024 Feb;26(2):100992). Based on the available evidence, the clinical significance of this variant remains unclear.

Labcorp Genetics (formerly Invitae), Labcorp
Classification: Uncertain significance for Familial adenomatous polyposis 1. Last evaluated: 2022-02-21. Review status: criteria provided, single submitter. Criteria: Invitae Variant Classification Sherloc (09022015). Collection method: clinical testing. Allele origin: germline.
Comment: This sequence change replaces valine, which is neutral and non-polar, with isoleucine, which is neutral and non-polar, at codon 2436 of the APC protein (p.Val2436Ile). In summary, the available evidence is currently insufficient to determine the role of this variant in disease. Therefore, it has been classified as a Variant of Uncertain Significance. Algorithms developed to predict the effect of missense changes on protein structure and function output the following: SIFT: "Tolerated"; PolyPhen-2: "Benign"; Align-GVGD: "Class C0". The isoleucine amino acid residue is found in multiple mammalian species, which suggests that this missense change does not adversely affect protein function. This variant has not been reported in the literature in individuals affected with APC-related conditions. This variant is not present in population databases (gnomAD no frequency).

NM_000038.6(APC):c.7306G>A (p.Val2436Ile)

Gene: APC (APC regulator of Wnt signaling pathway; plus strand). Cytogenetic location: 5q22.2.
Variant type: single nucleotide variant.
Coding change: c.7306G>A on transcript NM_000038.6 (MANE Select); coding-DNA position 7306, G replaced by A.
Protein change: p.Val2436Ile; replaces valine 2436 with isoleucine.
Molecular consequence: missense variant.
Genome position (GRCh38, 1-based): chr5:112,842,900, G>A. VCF-style: chr5-112842900-G-A. GRCh37 (hg19) VCF-style: chr5-112178597-G-A.
Other names: c.7306G>A, p.Val2436Ile (NM_001127510.3, NM_001354895.2, NM_001407450.1); c.7252G>A, p.Val2418Ile (NM_001127511.3); c.7360G>A, p.Val2454Ile (NM_001354896.2, NM_001407447.1, NM_001407448.1 and 1 more transcripts); c.7336G>A, p.Val2446Ile (NM_001354897.2); c.7231G>A, p.Val2411Ile (NM_001354898.2); c.7222G>A, p.Val2408Ile (NM_001354899.2); c.7183G>A, p.Val2395Ile (NM_001354900.2); c.7129G>A, p.Val2377Ile (NM_001354901.2, NM_001407453.1); and 11 more; short protein forms V2153I, V2353I, V2411I, V2418I, V2426I, V2454I, V2464I, V2307I.
Identifiers: ClinVar variation 1758225 (VCV001758225.8), dbSNP rs1029102261, ClinGen allele CA16037241.
Genomic context (GRCh38, chr5:112,842,900, plus strand): 5'-CTTTCTAGAATGTCTTCAACTAAATCAAGTGGAAGTGAATCTGATAGATCAGAAAGACCT[G>A]TATTAGTACGCCAGTCAACTTTCATCAAAGAAGCTCCAAGCCCAACCTTAAGAAGAAAAT-3'
Protein context (NP_000029.2, residues 2426-2446): GSESDRSERP[Val2436Ile]LVRQSTFIKE